The following is an entry in ClinVar:

NM_002474.3(MYH11):c.1248+3A>T

Gene: MYH11 (myosin heavy chain 11; minus strand). Cytogenetic location: 16p13.11.
Variant type: single nucleotide variant.
Coding change: c.1248+3A>T on transcript NM_002474.3 (MANE Select); 3 bases into the intron after coding-DNA position 1248, A replaced by T.
Molecular consequence: intron variant.
Genome position (GRCh38, 1-based): chr16:15,760,537, T>A on the plus strand (A>T on the coding strand, the complement: MYH11 is on the minus strand). VCF-style: chr16-15760537-T-A. GRCh37 (hg19) VCF-style: chr16-15854394-T-A.
Other names: c.1248+3A>T (NM_022844.3); c.1269+3A>T (NM_001040114.2, NM_001040113.2).
Identifiers: ClinVar variation 4756973 (VCV004756973.1).

ClinVar aggregate classification (germline): Uncertain significance (1 of 4 stars; one submission).

Conditions:
Familial thoracic aortic aneurysm and aortic dissection (TAAD). Also called: Thoracic aortic aneurysms and dissections. Identifiers: Orphanet 91387, MedGen C4707243, MONDO:0019625.

Submission:

Color Diagnostics, LLC DBA Color Health
Classification: Uncertain significance for Familial thoracic aortic aneurysm and aortic dissection. Last evaluated: 2025-07-03. Review status: criteria provided, single submitter. Criteria: ACMG Guidelines, 2015. Collection method: clinical testing. Allele origin: germline.
Comment: This variant causes an A to T nucleotide substitution at the +3 position of intron 12 of the MYH11 gene. To our knowledge, functional studies have not been reported for this variant. This variant has not been reported in individuals affected with MYH11-related disorders in the literature. This variant has not been identified in the general population by the Genome Aggregation Database (gnomAD). The available evidence is insufficient to determine the role of this variant in disease conclusively. Therefore, this variant is classified as a Variant of Uncertain Significance.